The following is an entry in ClinVar:

ClinVar aggregate classification (germline): Likely benign. Review status: criteria provided, multiple submitters, no conflicts (2 of 4 stars). 5 submissions from 5 submitters: Likely benign (5). Last evaluated 2026-01-05.

Conditions:
Cardiovascular phenotype. Identifiers: MedGen CN230736.
Arrhythmogenic cardiomyopathy with wooly hair and keratoderma. Also called: PALMOPLANTAR KERATODERMA WITH LEFT VENTRICULAR CARDIOMYOPATHY AND WOOLLY HAIR; Dilated cardiomyopathy with woolly hair and keratoderma; Arrhythmogenic cardiomyopathy with woolly hair and keratoderma; Carvajal syndrome. Identifiers: Orphanet 65282, MedGen C1854063, MONDO:0011581, OMIM 605676.
Arrhythmogenic right ventricular dysplasia 8 (ARVD8). Also called: Arrhythmogenic Right Ventricular Dysplasia/Cardiomyopathy 8; ARRHYTHMOGENIC RIGHT VENTRICULAR CARDIOMYOPATHY 8; ARRHYTHMOGENIC RIGHT VENTRICULAR DYSPLASIA, FAMILIAL, 8. Identifiers: MedGen C1843896, MONDO:0011831, OMIM 607450.
Cardiomyopathy (CMYO). Also called: Cardiomyopathies. Identifiers: Orphanet 167848, MedGen C0878544, MONDO:0004994, HP:0001638. Inheritance: Various modes of inheritance.

Allele frequency attached by ClinVar (database versions not stated): ExAC 0.00004; gnomAD exomes 0.00004 and 0.00008; TOPMed 0.00004; ESP Exome Variant Server 0.00008; gnomAD 0.00011.

Submissions (5):

Labcorp Genetics (formerly Invitae), Labcorp
Classification: Likely benign for Arrhythmogenic cardiomyopathy with wooly hair and keratoderma; Arrhythmogenic right ventricular dysplasia 8. Last evaluated: 2026-01-05. Review status: criteria provided, single submitter. Criteria: Invitae Variant Classification Sherloc (09022015). Collection method: clinical testing. Allele origin: germline.

Blueprint Genetics
Classification: Likely benign. Last evaluated: 2024-06-18. Review status: criteria provided, single submitter. Criteria: ACMG Guidelines, 2015. Collection method: clinical testing. Allele origin: germline.

All of Us Research Program, National Institutes of Health
Classification: Likely benign for Arrhythmogenic cardiomyopathy with wooly hair and keratoderma. Last evaluated: 2023-12-07. Review status: criteria provided, single submitter. Criteria: ACMG Guidelines, 2015. Collection method: clinical testing. Allele origin: germline. Inheritance: Autosomal dominant inheritance. Observed: 18 variant alleles, 18 heterozygotes.
Comment: This study involves interpretation of variants in research participants for the purpose of population health screening. Participant phenotype was not available at the time of variant classification. Additional details can be found in publication PMID: 35346344, PMCID: PMC8962531

Ambry Genetics
Classification: Likely benign for Cardiovascular phenotype. Last evaluated: 2020-07-11. Review status: criteria provided, single submitter. Criteria: Ambry Variant Classification Scheme 2023. Collection method: clinical testing. Allele origin: germline.

Color Diagnostics, LLC DBA Color Health
Classification: Likely benign for Cardiomyopathy. Last evaluated: 2019-01-31. Review status: criteria provided, single submitter. Criteria: ACMG Guidelines, 2015. Collection method: clinical testing. Allele origin: germline.

NM_004415.4(DSP):c.6360C>T (p.Thr2120=)

Gene: DSP (desmoplakin; plus strand). Cytogenetic location: 6p24.3.
Variant type: single nucleotide variant.
Coding change: c.6360C>T on transcript NM_004415.4 (MANE Select); coding-DNA position 6360, C replaced by T.
Protein change: p.Thr2120=; no amino-acid change (threonine 2120 retained).
Molecular consequence: synonymous variant.
Genome position (GRCh38, 1-based): chr6:7,583,622, C>T. VCF-style: chr6-7583622-C-T. GRCh37 (hg19) VCF-style: chr6-7583855-C-T.
Other names: c.6360C>T (LRG_423t1); c.4563C>T, p.Thr1521= (NM_001008844.3); c.5031C>T, p.Thr1677= (NM_001319034.2).
Identifiers: ClinVar variation 413268 (VCV000413268.15), dbSNP rs374252141, ClinGen allele CA047401.